The following is an entry in ClinVar:

ClinVar aggregate classification (germline): Uncertain significance (1 of 4 stars; one submission).

Conditions:
Hereditary cancer-predisposing syndrome. Also called: Neoplastic Syndromes, Hereditary; Tumor predisposition; Hereditary Cancer Syndrome; Hereditary neoplastic syndrome. Identifiers: Orphanet 140162, MedGen C0027672, MeSH D009386, MONDO:0015356.

Submission:

Color Diagnostics, LLC DBA Color Health
Classification: Uncertain significance for Hereditary cancer-predisposing syndrome. Last evaluated: 2023-12-04. Review status: criteria provided, single submitter. Criteria: ACMG Guidelines, 2015. Collection method: clinical testing. Allele origin: germline.
Comment: This missense variant replaces glutamic acid with glycine at codon 374 of the STK11 protein. Computational prediction suggests that this variant may not impact protein structure and function (internally defined REVEL score threshold <= 0.5, PMID: 27666373). To our knowledge, functional studies have not been reported for this variant. This variant has not been reported in individuals affected with STK11-related disorders in the literature. This variant has not been identified in the general population by the Genome Aggregation Database (gnomAD). The available evidence is insufficient to determine the role of this variant in disease conclusively. Therefore, this variant is classified as a Variant of Uncertain Significance.

NM_000455.5(STK11):c.1121A>G (p.Glu374Gly)

Gene: STK11 (serine/threonine kinase 11; plus strand). Cytogenetic location: 19p13.3.
Variant type: single nucleotide variant.
Coding change: c.1121A>G on transcript NM_000455.5 (MANE Select); coding-DNA position 1121, A replaced by G.
Protein change: p.Glu374Gly; replaces glutamic acid 374 with glycine.
Molecular consequence: missense variant.
Genome position (GRCh38, 1-based): chr19:1,226,466, A>G. VCF-style: chr19-1226466-A-G. GRCh37 (hg19) VCF-style: chr19-1226465-A-G.
Other names: short protein forms E374G.
Identifiers: ClinVar variation 918748 (VCV000918748.4), dbSNP rs2080821588, ClinGen allele CA402953177.